The following is an entry in ClinVar:

NM_014009.4(FOXP3):c.374G>A (p.Ser125Asn)

Gene: FOXP3 (forkhead box P3; minus strand). Cytogenetic location: Xp11.23.
Variant type: single nucleotide variant.
Coding change: c.374G>A on transcript NM_014009.4 (MANE Select); coding-DNA position 374, G replaced by A.
Protein change: p.Ser125Asn; replaces serine 125 with asparagine.
Molecular consequence: missense variant.
Genome position (GRCh38, 1-based): chrX:49,257,507, C>T on the plus strand (G>A on the coding strand, the complement: FOXP3 is on the minus strand). VCF-style: chrX-49257507-C-T. GRCh37 (hg19) VCF-style: chrX-49113964-C-T.
Other names: c.269G>A, p.Ser90Asn (NM_001114377.2); short protein forms S125N, S90N.
Identifiers: ClinVar variation 2051053 (VCV002051053.4), dbSNP rs2066081601, ClinGen allele CA412953034.

ClinVar aggregate classification (germline): Uncertain significance (1 of 4 stars; one submission).

Conditions:
Insulin-dependent diabetes mellitus secretory diarrhea syndrome (IPEX). Also called: Immunodysregulation, polyendocrinopathy, and enteropathy, X-linked; Immunodeficiency, Polyendocrinopathy, and Enteropathy X-Linked Syndrome; X-Linked Syndrome of Polyendocrinopathy, Immune Dysfunction, and Diarrhea; IMMUNODEFICIENCY, POLYENDOCRINOPATHY, AND ENTEROPATHY, X-LINKED; DIABETES MELLITUS, CONGENITAL INSULIN-DEPENDENT, WITH FATAL SECRETORY DIARRHEA; DIARRHEA, POLYENDOCRINOPATHY, FATAL INFECTION SYNDROME, X-LINKED. Identifiers: Orphanet 37042, MedGen C0342288, MONDO:0010580, OMIM 304790. Disease mechanism: loss of function.

Submission:

Labcorp Genetics (formerly Invitae), Labcorp
Classification: Uncertain significance for Insulin-dependent diabetes mellitus secretory diarrhea syndrome. Last evaluated: 2021-12-23. Review status: criteria provided, single submitter. Criteria: Invitae Variant Classification Sherloc (09022015). Collection method: clinical testing. Allele origin: germline.
Comment: This sequence change replaces serine, which is neutral and polar, with asparagine, which is neutral and polar, at codon 125 of the FOXP3 protein (p.Ser125Asn). In summary, the available evidence is currently insufficient to determine the role of this variant in disease. Therefore, it has been classified as a Variant of Uncertain Significance. Advanced modeling of protein sequence and biophysical properties (such as structural, functional, and spatial information, amino acid conservation, physicochemical variation, residue mobility, and thermodynamic stability) performed at Invitae indicates that this missense variant is not expected to disrupt FOXP3 protein function. This variant has not been reported in the literature in individuals affected with FOXP3-related conditions. This variant is not present in population databases (gnomAD no frequency).